The following is an entry in ClinVar:

NM_003489.4(NRIP1):c.1321A>G (p.Ile441Val)

Gene: NRIP1 (nuclear receptor interacting protein 1; minus strand). Cytogenetic location: 21q11.2.
Variant type: single nucleotide variant.
Coding change: c.1321A>G on transcript NM_003489.4 (MANE Select); coding-DNA position 1321, A replaced by G.
Protein change: p.Ile441Val; replaces isoleucine 441 with valine.
Molecular consequence: missense variant.
Genome position (GRCh38, 1-based): chr21:14,966,872, T>C on the plus strand (A>G on the coding strand, the complement: NRIP1 is on the minus strand). VCF-style: chr21-14966872-T-C. GRCh37 (hg19) VCF-style: chr21-16339193-T-C.
Other names: c.1321A>G (NM_003489.3); short protein forms I441V.
Identifiers: ClinVar variation 1583695 (VCV001583695.10), dbSNP rs150468995, ClinGen allele CA9981357.
Genomic context (GRCh38, chr21:14,966,872, plus strand): 5'-CCAGGGAAACAGGTTGGTCAGATTCTGATTTTTCAGTTCGGTGTTTGCAAGACAAGTCTA[T>C]GGGAACACAGTTGGAATAAGAACTTTCATCACCACTGCTGTCATCTGTAAAACTAGGATT-3'
Protein context (NP_003480.2, residues 431-451): DESSYSNCVP[Ile441Val]DLSCKHRTEK

ClinVar aggregate classification (germline): Likely benign. Review status: criteria provided, multiple submitters, no conflicts (2 of 4 stars). 3 submissions from 3 submitters: Likely benign (2). 1 of the submissions does not count toward it. Last evaluated 2026-02-01.

Conditions:
NRIP1-related disorder. Also called: NRIP1-related condition.

Allele frequency attached by ClinVar (database versions not stated): ESP Exome Variant Server 0.00008; gnomAD exomes 0.00031 and 0.00045; ExAC 0.00033; gnomAD 0.00033 and 0.00035; TOPMed 0.00063; 1000 Genomes Project 0.00080; 1000 Genomes Project 30x 0.00109.
gnomAD v4.1: 501 of 1,614,136 alleles (0.031%); highest among the groups gnomAD compares: Admixed American, 0.23%; 2 homozygotes.

Submissions (3):

Labcorp Genetics (formerly Invitae), Labcorp
Classification: Likely benign. Last evaluated: 2026-02-01. Review status: criteria provided, single submitter. Criteria: Invitae Variant Classification Sherloc (09022015). Collection method: clinical testing. Allele origin: germline.

Breakthrough Genomics
Classification: Likely benign. Review status: criteria provided, single submitter. Criteria: ACMG Guidelines, 2015. Collection method: not provided. Allele origin: germline. Inheritance: Autosomal dominant inheritance. Affected: yes.

PreventionGenetics, part of Exact Sciences
Classification: Likely benign for NRIP1-related condition. Last evaluated: 2024-03-08. Review status: no assertion criteria provided. Collection method: clinical testing. Allele origin: germline. Not counted in ClinVar's aggregate classification.
Comment: This variant is classified as likely benign based on ACMG/AMP sequence variant interpretation guidelines (Richards et al. 2015 PMID: 25741868, with internal and published modifications).